The following is an entry in ClinVar:

ClinVar aggregate classification (germline): Uncertain significance (1 of 4 stars; one submission).

Allele frequency attached by ClinVar (database versions not stated): TOPMed 0.00001 and below 0.00001.

Submission:

GeneDx
Classification: Uncertain significance. Last evaluated: 2017-08-14. Review status: criteria provided, single submitter. Criteria: GeneDx Variant Classification (06012015). Collection method: clinical testing. Allele origin: germline. Affected: yes.
Comment: The A357T variant has not been published as a pathogenic variant, nor has it been reported as a benign variant to our knowledge. The A357T variant is not observed in large population cohorts (Lek et al., 2016; 1000 Genomes Consortium et al., 2015; Exome Variant Server). This variant is a non-conservative amino acid substitution, which is likely to impact secondary protein structure as these residues differ in polarity, charge, size and/or other properties. This substitution occurs at a position that is conserved across species. In silico analysis predicts this variant is probably damaging to the protein structure/function.

NM_000391.4(TPP1):c.1069G>A (p.Ala357Thr)

Gene: TPP1 (tripeptidyl peptidase 1; minus strand). Cytogenetic location: 11p15.4.
Variant type: single nucleotide variant.
Coding change: c.1069G>A on transcript NM_000391.4 (MANE Select); coding-DNA position 1069, G replaced by A.
Protein change: p.Ala357Thr; replaces alanine 357 with threonine.
Molecular consequence: missense variant.
Genome position (GRCh38, 1-based): chr11:6,616,321, C>T on the plus strand (G>A on the coding strand, the complement: TPP1 is on the minus strand). VCF-style: chr11-6616321-C-T. GRCh37 (hg19) VCF-style: chr11-6637552-C-T.
Other names: short protein forms A357T.
Identifiers: ClinVar variation 451169 (VCV000451169.2), dbSNP rs1266615275, ClinGen allele CA379474014.